The following is an entry in ClinVar:

NC_000002.12:g.121530891T>G

Genes: CLASP1 (cytoplasmic linker associated protein 1; minus strand), CLASP1-AS1 (CLASP1 antisense RNA 1; plus strand), RNU4ATAC (RNA, U4atac small nuclear; plus strand). Cytogenetic location: 2q14.2.
Variant type: single nucleotide variant.
Molecular consequence: intron variant (on NM_001395891.1).
Genome position: GRCh38 VCF-style: chr2-121530891-T-G. GRCh37 (hg19) VCF-style: chr2-122288467-T-G.
Other names: c.196-566A>C (NM_001142274.2, NM_015282.3, NM_001378003.1 and 5 more transcripts).
Identifiers: ClinVar variation 1911008 (VCV001911008.3), dbSNP rs763786601, ClinGen allele CA1854679.
Genomic context (GRCh38, chr2:121,530,891, plus strand): 5'-CTACCAGGTATTGGCGCTTCCTGCTTGCAGCCCAGGGACTTTCTATTATAACCATCCTTT[T>G]CTTGGGGTTGCGCTACTGTCCAATGAGCGCATAGTGAGGGCAGTACTGCTAACGCCTGAA-3'

ClinVar aggregate classification (germline): Uncertain significance (1 of 4 stars; one submission).

gnomAD v4.1: 18 of 693,630 alleles (0.0026%); highest among the groups gnomAD compares: South Asian, 0.019%; 1 homozygote.

Submission:

Labcorp Genetics (formerly Invitae), Labcorp
Classification: Uncertain significance. Last evaluated: 2024-12-21. Review status: criteria provided, single submitter. Criteria: Invitae Variant Classification Sherloc (09022015). Collection method: clinical testing. Allele origin: germline.
Comment: This variant occurs in the RNU4ATAC gene, which encodes an RNA molecule that does not result in a protein product. This variant is present in population databases (rs763786601, gnomAD 0.004%). This variant has not been reported in the literature in individuals affected with RNU4ATAC-related conditions. ClinVar contains an entry for this variant (Variation ID: 1911008). Experimental studies and prediction algorithms are not available or were not evaluated, and the functional significance of this variant is currently unknown. In summary, the available evidence is currently insufficient to determine the role of this variant in disease. Therefore, it has been classified as a Variant of Uncertain Significance.